The following is an entry in ClinVar:

ClinVar aggregate classification (germline): Uncertain significance. Review status: criteria provided, multiple submitters, no conflicts (2 of 4 stars). 2 submissions from 2 submitters: Uncertain significance (2). Last evaluated 2025-05-05.

Conditions:
Gorlin syndrome. Also called: Basal cell nevus syndrome; Nevoid Basal Cell Carcinoma Syndrome. Identifiers: Orphanet 377, MedGen C0004779, MONDO:0007187.

Submissions (2):

Ambry Genetics
Classification: Uncertain significance. Last evaluated: 2025-05-05. Review status: criteria provided, single submitter. Criteria: Ambry Variant Classification Scheme 2023. Collection method: clinical testing. Allele origin: germline.

Labcorp Genetics (formerly Invitae), Labcorp
Classification: Uncertain significance for Gorlin syndrome. Last evaluated: 2024-12-02. Review status: criteria provided, single submitter. Criteria: Invitae Variant Classification Sherloc (09022015). Collection method: clinical testing. Allele origin: germline.
Comment: This sequence change replaces serine, which is neutral and polar, with phenylalanine, which is neutral and non-polar, at codon 391 of the PTCH2 protein (p.Ser391Phe). This variant is not present in population databases (gnomAD no frequency). This variant has not been reported in the literature in individuals affected with PTCH2-related conditions. ClinVar contains an entry for this variant (Variation ID: 453920). Invitae Evidence Modeling of protein sequence and biophysical properties (such as structural, functional, and spatial information, amino acid conservation, physicochemical variation, residue mobility, and thermodynamic stability) indicates that this missense variant is expected to disrupt PTCH2 protein function with a positive predictive value of 80%. In summary, the available evidence is currently insufficient to determine the role of this variant in disease. Therefore, it has been classified as a Variant of Uncertain Significance.

NM_003738.5(PTCH2):c.1172C>T (p.Ser391Phe)

Gene: PTCH2 (patched 2; minus strand). Cytogenetic location: 1p34.1.
Variant type: single nucleotide variant.
Coding change: c.1172C>T on transcript NM_003738.5 (MANE Select); coding-DNA position 1172, C replaced by T.
Protein change: p.Ser391Phe; replaces serine 391 with phenylalanine.
Molecular consequence: missense variant.
Genome position (GRCh38, 1-based): chr1:44,829,445, G>A on the plus strand (C>T on the coding strand, the complement: PTCH2 is on the minus strand). VCF-style: chr1-44829445-G-A. GRCh37 (hg19) VCF-style: chr1-45295117-G-A.
Other names: c.1172C>T, p.Ser391Phe (NM_001166292.2); short protein forms S391F.
Identifiers: ClinVar variation 453920 (VCV000453920.10), dbSNP rs1553165363, ClinGen allele CA340103993.